The following is an entry in ClinVar:

ClinVar aggregate classification (germline): Uncertain significance. Review status: criteria provided, multiple submitters, no conflicts (2 of 4 stars). 2 submissions from 2 submitters: Uncertain significance (2). Last evaluated 2025-03-07.

Conditions:
Aortic aneurysm, familial thoracic 4 (AAT4). Also called: AORTIC ANEURYSM/AORTIC DISSECTION AND PATENT DUCTUS ARTERIOSUS. Identifiers: MedGen C1851504, MONDO:0007568, OMIM 132900.
Familial thoracic aortic aneurysm and aortic dissection (TAAD). Also called: Thoracic aortic aneurysms and dissections. Identifiers: Orphanet 91387, MedGen C4707243, MONDO:0019625.

Allele frequency attached by ClinVar (database versions not stated): gnomAD exomes below 0.00001.
gnomAD v4.1: 3 of 1,613,714 alleles (0.00019%); highest among the groups gnomAD compares: Non-Finnish European, 0.00025%; no homozygotes.

Submissions (2):

Ambry Genetics
Classification: Uncertain significance for Familial thoracic aortic aneurysm and aortic dissection. Last evaluated: 2025-03-07. Review status: criteria provided, single submitter. Criteria: Ambry Variant Classification Scheme 2023. Collection method: clinical testing. Allele origin: germline.

Labcorp Genetics (formerly Invitae), Labcorp
Classification: Uncertain significance for Aortic aneurysm, familial thoracic 4. Last evaluated: 2019-12-04. Review status: criteria provided, single submitter. Criteria: Invitae Variant Classification Sherloc (09022015). Collection method: clinical testing. Allele origin: germline.
Comment: In summary, the available evidence is currently insufficient to determine the role of this variant in disease. Therefore, it has been classified as a Variant of Uncertain Significance. Algorithms developed to predict the effect of missense changes on protein structure and function are either unavailable or do not agree on the potential impact of this missense change (SIFT: "Deleterious"; PolyPhen-2: "Probably Damaging"; Align-GVGD: "Class C0"). This variant has not been reported in the literature in individuals with MYH11-related conditions. This variant is not present in population databases (ExAC no frequency). This sequence change replaces arginine with tryptophan at codon 277 of the MYH11 protein (p.Arg277Trp). The arginine residue is highly conserved and there is a moderate physicochemical difference between arginine and tryptophan.

NM_002474.3(MYH11):c.808C>T (p.Arg270Trp)

Gene: MYH11 (myosin heavy chain 11; minus strand). Cytogenetic location: 16p13.11.
Variant type: single nucleotide variant.
Coding change: c.808C>T on transcript NM_002474.3 (MANE Select); coding-DNA position 808, C replaced by T.
Protein change: p.Arg270Trp; replaces arginine 270 with tryptophan.
Molecular consequence: missense variant.
Genome position (GRCh38, 1-based): chr16:15,776,159, G>A on the plus strand (C>T on the coding strand, the complement: MYH11 is on the minus strand). VCF-style: chr16-15776159-G-A. GRCh37 (hg19) VCF-style: chr16-15870016-G-A.
Other names: c.808C>T (NM_002474.2); c.829C>T, p.Arg277Trp (NM_001040113.2, NM_001040114.2); c.808C>T, p.Arg270Trp (NM_022844.3); short protein forms R277W, R270W.
Identifiers: ClinVar variation 847155 (VCV000847155.10), dbSNP rs2042216578, ClinGen allele CA394869602.